The following is an entry in ClinVar:

NM_024306.5(FA2H):c.566G>A (p.Arg189Gln)

Gene: FA2H (fatty acid 2-hydroxylase; minus strand). Cytogenetic location: 16q23.1.
Variant type: single nucleotide variant.
Coding change: c.566G>A on transcript NM_024306.5 (MANE Select); coding-DNA position 566, G replaced by A.
Protein change: p.Arg189Gln; replaces arginine 189 with glutamine.
Molecular consequence: missense variant.
Genome position (GRCh38, 1-based): chr16:74,726,272, C>T on the plus strand (G>A on the coding strand, the complement: FA2H is on the minus strand). VCF-style: chr16-74726272-C-T. GRCh37 (hg19) VCF-style: chr16-74760170-C-T.
Other names: short protein forms R189Q.
Identifiers: ClinVar variation 3068766 (VCV003068766.4), dbSNP rs370682047, ClinGen allele CA8170485.

ClinVar aggregate classification (germline): Conflicting classifications of pathogenicity. Review status: criteria provided, conflicting classifications (1 of 4 stars). 2 submissions from 2 submitters: Uncertain significance (1); Likely benign (1). Last evaluated 2025-06-30.

Allele frequency attached by ClinVar (database versions not stated): gnomAD exomes 0.00002; TOPMed 0.00003; gnomAD 0.00005; ExAC 0.00006; 1000 Genomes Project 30x 0.00016; 1000 Genomes Project 0.00020; ESP Exome Variant Server 0.00023.
gnomAD v4.1: 39 of 1,614,002 alleles (0.0024%); highest among the groups gnomAD compares: South Asian, 0.014%; no homozygotes.

Submissions (2):

Women's Health and Genetics/Laboratory Corporation of America, LabCorp
Classification: Uncertain significance. Last evaluated: 2025-06-30. Review status: criteria provided, single submitter. Criteria: LabCorp Variant Classification Summary - May 2015. Collection method: clinical testing. Allele origin: germline.
Comment: Variant summary: FA2H c.566G>A (p.Arg189Gln) results in a conservative amino acid change in the encoded protein sequence. Algorithms developed to predict the effect of missense changes on protein structure and function all suggest that this variant is likely to be tolerated. The variant allele was found at a frequency of 3.2e-05 in 251044 control chromosomes. The available data on variant occurrences in the general population are insufficient to allow any conclusion about variant significance. To our knowledge, no occurrence of c.566G>A in individuals affected with Hereditary Spastic Paraplegia 35 and no experimental evidence demonstrating its impact on protein function have been reported. ClinVar contains an entry for this variant (Variation ID: 3068766). Based on the evidence outlined above, the variant was classified as uncertain significance.

Blueprint Genetics
Classification: Likely benign. Last evaluated: 2024-03-25. Review status: criteria provided, single submitter. Criteria: ACMG Guidelines, 2015. Collection method: clinical testing. Allele origin: germline.